The following is an entry in ClinVar:

ClinVar aggregate classification (germline): Conflicting classifications of pathogenicity. Review status: criteria provided, conflicting classifications (1 of 4 stars). 2 submissions from 2 submitters: Uncertain significance (1); Likely benign (1). Last evaluated 2019-05-23.

Submissions (2):

Revvity Omics, Revvity
Classification: Uncertain significance. Last evaluated: 2019-05-23. Review status: criteria provided, single submitter. Criteria: ACMG Guidelines, 2015. Collection method: clinical testing. Allele origin: germline.

GeneDx
Classification: Likely benign. Last evaluated: 2018-04-25. Review status: criteria provided, single submitter. Criteria: GeneDx Variant Classification (06012015). Collection method: clinical testing. Allele origin: germline. Affected: yes.
Comment: This variant is considered likely benign or benign based on one or more of the following criteria: it is a conservative change, it occurs at a poorly conserved position in the protein, it is predicted to be benign by multiple in silico algorithms, and/or has population frequency not consistent with disease.

NM_001267550.2(TTN):c.7876C>T (p.Leu2626Phe)

Gene: TTN (titin; minus strand). Cytogenetic location: 2q31.2.
Variant type: single nucleotide variant.
Coding change: c.7876C>T on transcript NM_001267550.2 (MANE Select); coding-DNA position 7876, C replaced by T.
Protein change: p.Leu2626Phe; replaces leucine 2626 with phenylalanine.
Molecular consequence: missense variant.
Genome position (GRCh38, 1-based): chr2:178,771,451, G>A on the plus strand (C>T on the coding strand, the complement: TTN is on the minus strand). VCF-style: chr2-178771451-G-A. GRCh37 (hg19) VCF-style: chr2-179636178-G-A.
Other names: c.7876C>T, p.Leu2626Phe (NM_001256850.1, NM_133378.4, NM_133379.5); c.7738C>T, p.Leu2580Phe (NM_003319.4, NM_133432.3, NM_133437.4); short protein forms L2626F, L2580F.
Identifiers: ClinVar variation 682336 (VCV000682336.4), dbSNP rs944728845, ClinGen allele CA61005073.
Genomic context (GRCh38, chr2:178,771,451, plus strand): 5'-GGTTGGCAACTTCACATTCAAACACAGCTTCCTGGGATTCAGCTACGGTCTGATCTGTGA[G>A]TGGCTTGGAGATGGCCCCACCTTTGGAACAAGAGATGTACAGTATGAGTCCTTTAAACAT-3'
Protein context (NP_001254479.2, residues 2616-2636): TVAGGAISKP[Leu2626Phe]TDQTVAESQE